The following is an entry in ClinVar:

ClinVar aggregate classification (germline): Uncertain significance. Review status: criteria provided, multiple submitters, no conflicts (2 of 4 stars). 2 submissions from 2 submitters: Uncertain significance (2). Last evaluated 2025-01-14.

Conditions:
Inborn genetic diseases. Identifiers: MedGen C0950123, MeSH D030342.

gnomAD v4.1: 41 of 1,614,212 alleles (0.0025%); highest among the groups gnomAD compares: Non-Finnish European, 0.0032%; no homozygotes.

Submissions (2):

Ambry Genetics
Classification: Uncertain significance for Inborn genetic diseases. Last evaluated: 2025-01-14. Review status: criteria provided, single submitter. Criteria: Ambry Variant Classification Scheme 2023. Collection method: clinical testing. Allele origin: germline.

GeneDx
Classification: Uncertain significance. Last evaluated: 2024-06-12. Review status: criteria provided, single submitter. Criteria: GeneDx Variant Classification Process June 2021. Collection method: clinical testing. Allele origin: germline. Affected: yes.
Comment: Not observed at significant frequency in large population cohorts (gnomAD); In silico analysis indicates that this missense variant does not alter protein structure/function; Has not been previously published as pathogenic or benign to our knowledge

NM_014244.5(ADAMTS2):c.1039T>C (p.Tyr347His)

Gene: ADAMTS2 (ADAM metallopeptidase with thrombospondin type 1 motif 2; minus strand). Cytogenetic location: 5q35.3.
Variant type: single nucleotide variant.
Coding change: c.1039T>C on transcript NM_014244.5 (MANE Select); coding-DNA position 1039, T replaced by C.
Protein change: p.Tyr347His; replaces tyrosine 347 with histidine.
Molecular consequence: missense variant.
Genome position (GRCh38, 1-based): chr5:179,158,816, A>G on the plus strand (T>C on the coding strand, the complement: ADAMTS2 is on the minus strand). VCF-style: chr5-179158816-A-G. GRCh37 (hg19) VCF-style: chr5-178585817-A-G.
Other names: c.1039T>C, p.Tyr347His (NM_021599.4); short protein forms Y347H.
Identifiers: ClinVar variation 3390404 (VCV003390404.2).